The following is an entry in ClinVar:

ClinVar aggregate classification (germline): Likely benign. Review status: criteria provided, multiple submitters, no conflicts (2 of 4 stars). 4 submissions from 4 submitters: Likely benign (4). Last evaluated 2026-01-25.

Conditions:
PLP1-related disorder. Also called: PLP1-related condition; PLP1-Related Disorders. Identifiers: MedGen CN378767.
Hereditary spastic paraplegia 2 (SPG2). Also called: Spastic Paraplegia 2 (SPG2); SPASTIC PARAPLEGIA 2, X-LINKED. Identifiers: Orphanet 99015, MedGen C0751604, MONDO:0010733, OMIM 312920.

Allele frequency attached by ClinVar (database versions not stated): ExAC 0.00013; gnomAD exomes 0.00014 and 0.00017; TOPMed 0.00017; gnomAD 0.00018 and 0.00019; ESP Exome Variant Server 0.00047.
gnomAD v4.1: 202 of 1,208,759 alleles (0.017%); highest among the groups gnomAD compares: Middle Eastern, 0.069%; no homozygotes.

Submissions (4):

Labcorp Genetics (formerly Invitae), Labcorp
Classification: Likely benign for Hereditary spastic paraplegia 2. Last evaluated: 2026-01-25. Review status: criteria provided, single submitter. Criteria: Invitae Variant Classification Sherloc (09022015). Collection method: clinical testing. Allele origin: germline.

PreventionGenetics, part of Exact Sciences
Classification: Likely benign for PLP1-related condition. Last evaluated: 2024-12-13. Review status: criteria provided, single submitter. Criteria: ACMG Guidelines, 2015. Collection method: clinical testing. Allele origin: germline.
Comment: This variant is classified as likely benign based on ACMG/AMP sequence variant interpretation guidelines (Richards et al. 2015 PMID: 25741868, with internal and published modifications).

Blueprint Genetics
Classification: Likely benign. Last evaluated: 2024-07-16. Review status: criteria provided, single submitter. Criteria: ACMG Guidelines, 2015. Collection method: clinical testing. Allele origin: germline.

CeGaT Center for Human Genetics Tuebingen
Classification: Likely benign. Last evaluated: 2024-06-01. Review status: criteria provided, single submitter. Criteria: CeGaT Center For Human Genetics Tuebingen Variant Classification Criteria Version 2. Collection method: clinical testing. Allele origin: germline. Affected: yes. Observed: 2 variant alleles.
Comment: PLP1: BP4, BS2

NM_000533.5(PLP1):c.255C>T (p.Leu85=)

Genes: PLP1 (proteolipid protein 1; plus strand), RAB9B (RAB9B, member RAS oncogene family; minus strand). Cytogenetic location: Xq22.2.
Variant type: single nucleotide variant.
Coding change: c.255C>T on transcript NM_000533.5 (MANE Select); coding-DNA position 255, C replaced by T.
Protein change: p.Leu85=; no amino-acid change (leucine 85 retained).
Molecular consequence: synonymous variant.
Genome position (GRCh38, 1-based): chrX:103,786,528, C>T. VCF-style: chrX-103786528-C-T. GRCh37 (hg19) VCF-style: chrX-103041457-C-T.
Other names: c.255C>T, p.Leu85= (NM_001128834.3, NM_199478.3); c.90C>T, p.Leu30= (NM_001305004.1).
Identifiers: ClinVar variation 698950 (VCV000698950.33), dbSNP rs140047941, ClinGen allele CA10478946.